The following is an entry in ClinVar:

ClinVar aggregate classification (germline): Conflicting classifications of pathogenicity. Review status: criteria provided, conflicting classifications (1 of 4 stars). 3 submissions from 3 submitters: Uncertain significance (1); Likely benign (1). 1 of the submissions does not count toward it. Last evaluated 2025-03-19.

Conditions:
Hereditary cancer-predisposing syndrome. Also called: Hereditary Cancer Syndrome; Hereditary neoplastic syndrome; Tumor predisposition; Neoplastic Syndromes, Hereditary. Identifiers: Orphanet 140162, MedGen C0027672, MeSH D009386, MONDO:0015356.
Familial cancer of breast. Also called: BREAST CANCER, FAMILIAL; hereditary breast carcinoma; Hereditary breast cancer. Identifiers: Orphanet 227535, MedGen C0346153, MONDO:0016419, OMIM 114480. Disease mechanism: loss of function.

Allele frequency attached by ClinVar (database versions not stated): TOPMed below 0.00001; gnomAD 0.00001.
gnomAD v4.1: 4 of 1,603,550 alleles (0.00025%); highest among the groups gnomAD compares: African/African-American, 0.0013%; no homozygotes.

Submissions (3):

Ambry Genetics
Classification: Uncertain significance for Hereditary cancer-predisposing syndrome. Last evaluated: 2025-03-19. Review status: criteria provided, single submitter. Criteria: Ambry Variant Classification Scheme 2023. Collection method: clinical testing. Allele origin: germline.
Comment: The c.684-4C>G intronic variant results from a C to G substitution 4 nucleotides upstream from coding exon 5 in the CHEK2 gene. This nucleotide position is poorly conserved in available vertebrate species. In silico splice site analysis predicts that this alteration will not have any significant effect on splicing; however, direct evidence is insufficient at this time (Ambry internal data). In addition, the -4 position of the consensus splice acceptor site is tolerant to nucleotide substitution (Padgett RA Trends Genet. 2012 Apr 28;4:147-154). Based on the available evidence, the clinical significance of this variant remains unclear.

Labcorp Genetics (formerly Invitae), Labcorp
Classification: Likely benign for Familial cancer of breast. Last evaluated: 2024-04-02. Review status: criteria provided, single submitter. Criteria: Invitae Variant Classification Sherloc (09022015). Collection method: clinical testing. Allele origin: germline.

Institute. of Biochemistry and Experimental Oncology, First Faculty of Medicine, Charles University in Prague
No classification provided. Review status: no classification provided. Collection method: not provided. Allele origin: germline. Not counted in ClinVar's aggregate classification.
Comment: Characterized in 1 out of 376 non cancer controls

NM_007194.4(CHEK2):c.684-4C>G

Gene: CHEK2 (checkpoint kinase 2; minus strand). Cytogenetic location: 22q12.1.
Variant type: single nucleotide variant.
Coding change: c.684-4C>G on transcript NM_007194.4 (MANE Select); 4 bases into the intron before coding-DNA position 684, C replaced by G.
Molecular consequence: intron variant.
Genome position (GRCh38, 1-based): chr22:28,712,021, G>C on the plus strand (C>G on the coding strand, the complement: CHEK2 is on the minus strand). VCF-style: chr22-28712021-G-C. GRCh37 (hg19) VCF-style: chr22-29108009-G-C.
Other names: chr22:29,108,009G>C; c.21-4C>G (NM_001437942.1, NM_001257387.3); c.483-4C>G (NM_001349956.3); c.684-4C>G (NM_145862.3); c.777-4C>G (NM_001438295.1, NM_001438293.1); c.813-4C>G (NM_001438294.1, NM_001005735.3).
Identifiers: ClinVar variation 126900 (VCV000126900.15), dbSNP rs121908695, ClinGen allele CA230676.
Genomic context (GRCh38, chr22:28,712,021, plus strand): 5'-GCTACTTTCTTACATGTTTTCCTCTCGAAAGCCAGCTTTACCTCTCCACAGGCACCACTA[G>C]AGGGAAAAACAAAGATAGTGATTGTCTGAATGTTTTTAATTATGAGACCTACCACTCCTG-3'